The following is an entry in ClinVar:

NM_012330.4(KAT6B):c.5442_5451del (p.Phe1815fs)

Gene: KAT6B (lysine acetyltransferase 6B; plus strand). Cytogenetic location: 10q22.2.
Variant type: Deletion.
Coding change: c.5442_5451del on transcript NM_012330.4 (MANE Select); coding-DNA positions 5442 to 5451, 10 bases deleted (CTTCAGCCTT; older notation c.5442_5451delCTTCAGCCTT).
Protein change: p.Phe1815fs; shifts the reading frame from phenylalanine 1815.
Molecular consequence: frameshift variant.
Genome position (GRCh38, 1-based): chr10:75,030,266-75,030,275, CTTCAGCCTT deleted. VCF-style (leftmost placement, unchanged base first): chr10-75030265-CCTTCAGCCTT-C. GRCh37 (hg19) VCF-style: chr10-76790023-CCTTCAGCCTT-C.
Other names: c.4404_4413del, p.Phe1469fs (NM_001370132.1); c.3753_3762del, p.Phe1252fs (NM_001370133.1); c.3357_3366del, p.Phe1120fs (NM_001370134.1); c.3099_3108del, p.Phe1034fs (NM_001370135.1); c.5442_5451del, p.Phe1815fs (NM_001370136.1, NM_001370137.1); c.4893_4902del, p.Phe1632fs (NM_001370138.1, NM_001256468.2); c.4566_4575del, p.Phe1523fs (NM_001370139.1, NM_001370140.1, NM_001370141.1 and 2 more transcripts); c.4377_4386del, p.Phe1460fs (NM_001370143.1, NM_001370144.1); short protein forms F1034fs, F1252fs, F1460fs, F1632fs, F1469fs, F1815fs, F1120fs, F1523fs.
Identifiers: ClinVar variation 4294422 (VCV004294422.1).

ClinVar aggregate classification (germline): Likely pathogenic (1 of 4 stars; one submission).

Conditions:
Blepharophimosis - intellectual disability syndrome, SBBYS type (SBBYSS). Also called: Say-Barber-Biesecker-Young-Simpson syndrome; Young Simpson syndrome; Mental retardation unusual facies hypothyroidism; Say-Barber-Biesecker variant of Ohdo syndrome (SBBYSS); Say-Barber-Biesecker-Young-Simpson variant of Ohdo Syndrome; Say-Barber-Biesecker Variant of Ohdo Syndrome. Identifiers: Orphanet 3047, MedGen C1863557, MONDO:0011365, OMIM 603736.

Submission:

Molecular Genetics Department, Kulakov National Medical Research Center for Obstetrics, Gynecology and Perinatology
Classification: Likely pathogenic for Blepharophimosis - intellectual disability syndrome, SBBYS type. Review status: criteria provided, single submitter. Criteria: ACMG Guidelines, 2015. Collection method: clinical testing. Allele origin: germline. Affected: yes. Observed: 1 variant allele.
Comment: A previously undescribed heterozygous nucleotide variant creates a frameshift p.Phe1815ProfsTer6 in the KAT6B gene. Heterozygous variants are reported in patients with SBBYSS syndrome, 603736. The variant is not present in population database (gnomAD no frequency). In summary, the currently available evidence indicates that the variant is pathogenic, but additional data are needed to prove that conclusively. Therefore, this variant has been classified as likely pathogenic.